The following is an entry in ClinVar:

ClinVar aggregate classification (germline): Likely benign (0 of 4 stars; one submission).

Conditions:
CUL4B-related disorder. Also called: CUL4B-related condition.

gnomAD v4.1: 2 of 1,203,721 alleles (0.00017%); highest among the groups gnomAD compares: Non-Finnish European, 0.00022%; no homozygotes.

Submission:

PreventionGenetics, part of Exact Sciences
Classification: Likely benign for CUL4B-related condition. Last evaluated: 2022-10-04. Review status: no assertion criteria provided. Collection method: clinical testing. Allele origin: germline.
Comment: This variant is classified as likely benign based on ACMG/AMP sequence variant interpretation guidelines (Richards et al. 2015 PMID: 25741868, with internal and published modifications).

NM_001079872.2(CUL4B):c.712T>C (p.Leu238=)

Gene: CUL4B (cullin 4B; minus strand). Cytogenetic location: Xq24.
Variant type: single nucleotide variant.
Coding change: c.712T>C on transcript NM_001079872.2 (MANE Select); coding-DNA position 712, T replaced by C.
Protein change: p.Leu238=; no amino-acid change (leucine 238 retained).
Molecular consequence: synonymous variant.
Genome position (GRCh38, 1-based): chrX:120,547,200, A>G on the plus strand (T>C on the coding strand, the complement: CUL4B is on the minus strand). VCF-style: chrX-120547200-A-G. GRCh37 (hg19) VCF-style: chrX-119681055-A-G.
Other names: c.727T>C, p.Leu243= (NM_001330624.2); c.178T>C, p.Leu60= (NM_001369145.1); c.766T>C, p.Leu256= (NM_003588.4).
Identifiers: ClinVar variation 3353975 (VCV003353975.1).